The following is an entry in ClinVar:

NM_000069.3(CACNA1S):c.1575C>G (p.Ser525=)

Gene: CACNA1S (calcium voltage-gated channel subunit alpha1 S; minus strand). Cytogenetic location: 1q32.1.
Variant type: single nucleotide variant.
Coding change: c.1575C>G on transcript NM_000069.3 (MANE Select); coding-DNA position 1575, C replaced by G.
Protein change: p.Ser525=; no amino-acid change (serine 525 retained).
Molecular consequence: synonymous variant.
Genome position (GRCh38, 1-based): chr1:201,077,923, G>C on the plus strand (C>G on the coding strand, the complement: CACNA1S is on the minus strand). VCF-style: chr1-201077923-G-C. GRCh37 (hg19) VCF-style: chr1-201047051-G-C.
Identifiers: ClinVar variation 1106570 (VCV001106570.10), dbSNP rs771788360, ClinGen allele CA078407.

ClinVar aggregate classification (germline): Likely benign. Review status: criteria provided, multiple submitters, no conflicts (2 of 4 stars). 2 submissions from 2 submitters: Likely benign (2). Last evaluated 2025-12-03.

Conditions:
Malignant hyperthermia, susceptibility to, 5 (MHS5). Also called: CACNA1S-Related Malignant Hyperthermia Susceptibility. Identifiers: Orphanet 423, MedGen C1866077, MONDO:0011163, OMIM 601887.
Hypokalemic periodic paralysis, type 1. Also called: Hypokalemic Periodic Paralysis Type 1 (AD); HypoPP. Identifiers: Orphanet 681, MedGen C3714580, MONDO:0042979, OMIM 170400.

gnomAD v4.1: 21 of 1,614,102 alleles (0.0013%); highest among the groups gnomAD compares: Non-Finnish European, 0.0017%; no homozygotes.

Submissions (2):

Labcorp Genetics (formerly Invitae), Labcorp
Classification: Likely benign for Hypokalemic periodic paralysis, type 1; Malignant hyperthermia, susceptibility to, 5. Last evaluated: 2025-12-03. Review status: criteria provided, single submitter. Criteria: Invitae Variant Classification Sherloc (09022015). Collection method: clinical testing. Allele origin: germline.

All of Us Research Program, National Institutes of Health
Classification: Likely benign for Malignant hyperthermia, susceptibility to, 5. Last evaluated: 2023-10-23. Review status: criteria provided, single submitter. Criteria: ACMG Guidelines, 2015. Collection method: clinical testing. Allele origin: germline. Inheritance: Autosomal dominant inheritance. Observed: 3 variant alleles, 3 heterozygotes.
Comment: This study involves interpretation of variants in research participants for the purpose of population health screening. Participant phenotype was not available at the time of variant classification. Additional details can be found in publication PMID: 35346344, PMCID: PMC8962531